The following is an entry in ClinVar:

ClinVar aggregate classification (germline): Uncertain significance. Review status: criteria provided, multiple submitters, no conflicts (2 of 4 stars). 2 submissions from 2 submitters: Uncertain significance (2). Last evaluated 2026-06-23.

Conditions:
Anauxetic dysplasia. Identifiers: Orphanet 93347, MedGen C1846796, MONDO:0011773.

Submissions (2):

Women's Health and Genetics/Laboratory Corporation of America, LabCorp
Classification: Uncertain significance. Last evaluated: 2026-06-23. Review status: criteria provided, single submitter. Criteria: LabCorp Variant Classification Summary - May 2015. Collection method: clinical testing. Allele origin: germline.
Comment: Variant summary: RMRP n.-58_-57delinsCC (also known as NC_000009.11: chr9:g.35658072_35658073delinsGG) is located in the untranscribed region upstream of the RMRP gene region. The variant was absent in 31280 control chromosomes. The available data on variant occurrences in the general population are insufficient to allow any conclusion about variant significance. To our knowledge, no occurrence of n.-58_-57delinsCC in individuals affected with RMRP-related conditions and no experimental evidence demonstrating its impact on protein function have been reported. ClinVar contains an entry for this variant (Variation ID: 850583). Based on the evidence outlined above, the variant was classified as uncertain significance.

Labcorp Genetics (formerly Invitae), Labcorp
Classification: Uncertain significance for Anauxetic dysplasia. Last evaluated: 2025-10-05. Review status: criteria provided, single submitter. Criteria: Invitae Variant Classification Sherloc (09022015). Collection method: clinical testing. Allele origin: germline.
Comment: This variant occurs in the RMRP gene, which encodes an RNA molecule that does not result in a protein product. Information on the frequency of this variant in the gnomAD database is not available, as this variant may be reported differently in the database. This variant has not been reported in the literature in individuals affected with RMRP-related conditions. ClinVar contains an entry for this variant (Variation ID: 850583). Experimental studies and prediction algorithms are not available or were not evaluated, and the functional significance of this variant is currently unknown. In summary, the available evidence is currently insufficient to determine the role of this variant in disease. Therefore, it has been classified as a Variant of Uncertain Significance.

NC_000009.12:g.35658075_35658076delinsGG

Gene: RMRP (RNA component of mitochondrial RNA processing endoribonuclease; minus strand). Cytogenetic location: 9p13.3.
Variant type: Indel.
Genome position: GRCh38 VCF-style: chr9-35658075-AT-GG. GRCh37 (hg19) VCF-style: chr9-35658072-AT-GG.
Identifiers: ClinVar variation 850583 (VCV000850583.5), dbSNP rs1587919975, ClinGen allele CA916080411.
Genomic context (GRCh38, chr9:35,658,075, plus strand): 5'-AACCACGTCCTCAGCTTCACAGAGTAGTATTTTATAGCCCTAAAGAAATTGTGTTTTATG[AT>GG]TAGGGTGAGAAAGTTGGTGGCGTGAGATTAAAAAAACCGTTTTCGGGCATAACTTTCTAA-3'